The following is an entry in ClinVar:

ClinVar aggregate classification (germline): Uncertain significance. Review status: criteria provided, single submitter (1 of 4 stars). 2 submissions from 2 submitters: Uncertain significance (1). 1 of the submissions does not count toward it. Last evaluated 2021-09-02.

Conditions:
Menkes kinky-hair syndrome (MNK). Also called: Copper transport disease; Classic Menkes Disease; Menkes Disease. Identifiers: Orphanet 565, MedGen C0022716, MONDO:0010651, OMIM 309400.
X-linked distal spinal muscular atrophy type 3. Also called: SPINAL MUSCULAR ATROPHY, DISTAL, X-LINKED RECESSIVE; ATP7A-Related Distal Motor Neuropathy; NEURONOPATHY, DISTAL HEREDITARY MOTOR, X-LINKED; NEUROPATHY, DISTAL HEREDITARY MOTOR, X-LINKED. Identifiers: Orphanet 139557, MedGen C1845359, MONDO:0010338, OMIM 300489.
Cutis laxa, X-linked (OHS). Also called: EDS IX; Occipital horn syndrome. Identifiers: Orphanet 198, MedGen C0268353, MONDO:0010572, OMIM 304150.

gnomAD v4.1: 1 of 1,211,611 alleles (0.000083%); no homozygotes.

Submissions (2):

Labcorp Genetics (formerly Invitae), Labcorp
Classification: Uncertain significance for X-linked distal spinal muscular atrophy type 3; Cutis laxa, X-linked; Menkes kinky-hair syndrome. Last evaluated: 2021-09-02. Review status: criteria provided, single submitter. Criteria: Invitae Variant Classification Sherloc (09022015). Collection method: clinical testing. Allele origin: germline.
Comment: This sequence change replaces lysine with glutamine at codon 32 of the ATP7A protein (p.Lys32Gln). The lysine residue is weakly conserved and there is a small physicochemical difference between lysine and glutamine. This variant is not present in population databases (ExAC no frequency). This variant has not been reported in the literature in individuals affected with ATP7A-related conditions. Algorithms developed to predict the effect of missense changes on protein structure and function (SIFT, PolyPhen-2, Align-GVGD) all suggest that this variant is likely to be tolerated. In summary, the available evidence is currently insufficient to determine the role of this variant in disease. Therefore, it has been classified as a Variant of Uncertain Significance.

Natera, Inc.
Classification: Uncertain significance for Menkes kinky hair syndrome. Last evaluated: 2021-03-22. Review status: no assertion criteria provided. Collection method: clinical testing. Allele origin: germline. Not counted in ClinVar's aggregate classification.

NM_000052.7(ATP7A):c.94A>C (p.Lys32Gln)

Gene: ATP7A (ATPase copper transporting alpha; plus strand). Cytogenetic location: Xq21.1.
Variant type: single nucleotide variant.
Coding change: c.94A>C on transcript NM_000052.7 (MANE Select); coding-DNA position 94, A replaced by C.
Protein change: p.Lys32Gln; replaces lysine 32 with glutamine.
Molecular consequence: missense variant. On other transcripts: non-coding transcript variant (1).
Genome position (GRCh38, 1-based): chrX:77,971,735, A>C. VCF-style: chrX-77971735-A-C. GRCh37 (hg19) VCF-style: chrX-77227232-A-C.
Other names: c.94A>C, p.Lys32Gln (NM_001282224.2); short protein forms K32Q.
Identifiers: ClinVar variation 947605 (VCV000947605.8), dbSNP rs2077548318, ClinGen allele CA413597814.